The following is an entry in ClinVar:

ClinVar aggregate classification (germline): Likely benign. Review status: criteria provided, multiple submitters, no conflicts (2 of 4 stars). 2 submissions from 2 submitters: Likely benign (2). Last evaluated 2024-09-23.

Conditions:
Dilated cardiomyopathy 1G (CMD1G). Identifiers: Orphanet 154, MedGen C1858763, MONDO:0011400, OMIM 604145.
Autosomal recessive limb-girdle muscular dystrophy type 2J (LGMDR10). Also called: Limb-girdle muscular dystrophy, type 2J; MUSCULAR DYSTROPHY, LIMB-GIRDLE, AUTOSOMAL RECESSIVE 10. Identifiers: Orphanet 140922, MedGen C1837342, MONDO:0012127, OMIM 608807.

Allele frequency attached by ClinVar (database versions not stated): gnomAD exomes below 0.00001; TOPMed below 0.00001; gnomAD 0.00001.
gnomAD v4.1: 3 of 1,613,770 alleles (0.00019%); highest among the groups gnomAD compares: Non-Finnish European, 0.00025%; no homozygotes.

Submissions (2):

Labcorp Genetics (formerly Invitae), Labcorp
Classification: Likely benign for Dilated cardiomyopathy 1G; Autosomal recessive limb-girdle muscular dystrophy type 2J. Last evaluated: 2024-09-23. Review status: criteria provided, single submitter. Criteria: Invitae Variant Classification Sherloc (09022015). Collection method: clinical testing. Allele origin: germline.

GeneDx
Classification: Likely benign. Last evaluated: 2017-08-10. Review status: criteria provided, single submitter. Criteria: GeneDx Variant Classification (06012015). Collection method: clinical testing. Allele origin: germline. Affected: yes.
Comment: This variant is considered likely benign or benign based on one or more of the following criteria: it is a conservative change, it occurs at a poorly conserved position in the protein, it is predicted to be benign by multiple in silico algorithms, and/or has population frequency not consistent with disease.

NM_001267550.2(TTN):c.28080T>A (p.Ile9360=)

Gene: TTN (titin; minus strand). Cytogenetic location: 2q31.2.
Variant type: single nucleotide variant.
Coding change: c.28080T>A on transcript NM_001267550.2 (MANE Select); coding-DNA position 28080, T replaced by A.
Protein change: p.Ile9360=; no amino-acid change (isoleucine 9360 retained).
Molecular consequence: synonymous variant. On other transcripts: intron variant (3).
Genome position (GRCh38, 1-based): chr2:178,711,156, A>T on the plus strand (T>A on the coding strand, the complement: TTN is on the minus strand). VCF-style: chr2-178711156-A-T. GRCh37 (hg19) VCF-style: chr2-179575883-A-T.
Other names: c.27129T>A, p.Ile9043= (NM_001256850.1); c.24348T>A, p.Ile8116= (NM_133378.4); c.13282+26926T>A (NM_003319.4); c.13858+26926T>A (NM_133437.4); c.13657+26926T>A (NM_133432.3).
Identifiers: ClinVar variation 511502 (VCV000511502.6), dbSNP rs1220122597, ClinGen allele CA430284148.